The following is an entry in ClinVar:

ClinVar aggregate classification (germline): Uncertain significance. Review status: criteria provided, multiple submitters, no conflicts (2 of 4 stars). 3 submissions from 3 submitters: Uncertain significance (3). Last evaluated 2026-01-12.

Conditions:
Inborn genetic diseases. Identifiers: MedGen C0950123, MeSH D030342.
Myoglobinuria, acute recurrent, autosomal recessive. Also called: MYOGLOBINURIA, FAMILIAL PAROXYSMAL PARALYTIC; RHABDOMYOLYSIS, ACUTE RECURRENT; Myoglobinuria, recurrent, autosomal recessive. Identifiers: Orphanet 99845, MedGen C1849386, MONDO:0009992, OMIM 268200.

Allele frequency attached by ClinVar (database versions not stated): TOPMed below 0.00001; gnomAD exomes 0.00001.
gnomAD v4.1: 14 of 1,614,072 alleles (0.00087%); highest among the groups gnomAD compares: East Asian, 0.0022%; no homozygotes.

Submissions (3):

Labcorp Genetics (formerly Invitae), Labcorp
Classification: Uncertain significance. Last evaluated: 2026-01-12. Review status: criteria provided, single submitter. Criteria: Invitae Variant Classification Sherloc (09022015). Collection method: clinical testing. Allele origin: germline.
Comment: This sequence change replaces proline, which is neutral and non-polar, with leucine, which is neutral and non-polar, at codon 851 of the LPIN1 protein (p.Pro851Leu). This variant is present in population databases (no rsID available, gnomAD 0.006%). This variant has not been reported in the literature in individuals affected with LPIN1-related conditions. ClinVar contains an entry for this variant (Variation ID: 2308910). Invitae Evidence Modeling of protein sequence and biophysical properties (such as structural, functional, and spatial information, amino acid conservation, physicochemical variation, residue mobility, and thermodynamic stability) indicates that this missense variant is expected to disrupt LPIN1 protein function with a positive predictive value of 80%. In summary, the available evidence is currently insufficient to determine the role of this variant in disease. Therefore, it has been classified as a Variant of Uncertain Significance.

Fulgent Genetics
Classification: Uncertain significance for Myoglobinuria, acute recurrent, autosomal recessive. Last evaluated: 2024-05-21. Review status: criteria provided, single submitter. Criteria: ACMG Guidelines, 2015. Collection method: clinical testing. Allele origin: germline.

Ambry Genetics
Classification: Uncertain significance for Inborn genetic diseases. Last evaluated: 2022-08-26. Review status: criteria provided, single submitter. Criteria: Ambry Variant Classification Scheme 2023. Collection method: clinical testing. Allele origin: germline.

NM_001349206.2(LPIN1):c.2660C>T (p.Pro887Leu)

Gene: LPIN1 (lipin 1; plus strand). Cytogenetic location: 2p25.1.
Variant type: single nucleotide variant.
Coding change: c.2660C>T on transcript NM_001349206.2 (MANE Select); coding-DNA position 2660, C replaced by T.
Protein change: p.Pro887Leu; replaces proline 887 with leucine.
Molecular consequence: missense variant. On other transcripts: non-coding transcript variant (1).
Genome position (GRCh38, 1-based): chr2:11,824,670, C>T. VCF-style: chr2-11824670-C-T. GRCh37 (hg19) VCF-style: chr2-11964796-C-T.
Other names: c.2570C>T, p.Pro857Leu (NM_001261427.3); c.2807C>T, p.Pro936Leu (NM_001261428.3); c.2552C>T, p.Pro851Leu (NM_001349199.2, NM_145693.4); c.2630C>T, p.Pro877Leu (NM_001349200.2, NM_001349201.2); c.2657C>T, p.Pro886Leu (NM_001349202.2, NM_001349203.2); c.2660C>T, p.Pro887Leu (NM_001349204.2, NM_001349205.2); c.2750C>T, p.Pro917Leu (NM_001349207.2); c.2699C>T, p.Pro900Leu (NM_001349208.2); short protein forms P917L, P857L, P877L, P900L, P851L, P886L, P887L, P936L.
Identifiers: ClinVar variation 2308910 (VCV002308910.5), dbSNP rs926743450, ClinGen allele CA42597433.